The following is an entry in ClinVar:

NM_000277.3(PAH):c.1169A>G (p.Glu390Gly)

Gene: PAH (phenylalanine hydroxylase; minus strand). Cytogenetic location: 12q23.2.
Variant type: single nucleotide variant.
Coding change: c.1169A>G on transcript NM_000277.3 (MANE Select); coding-DNA position 1169, A replaced by G.
Protein change: p.Glu390Gly; replaces glutamic acid 390 with glycine.
Molecular consequence: missense variant.
Genome position (GRCh38, 1-based): chr12:102,843,676, T>C on the plus strand (A>G on the coding strand, the complement: PAH is on the minus strand). VCF-style: chr12-102843676-T-C. GRCh37 (hg19) VCF-style: chr12-103237454-T-C.
Other names: p.E390G:GAG>GGG; NM_000277.1(PAH):c.1169A>G; c.1169A>G, p.Glu390Gly (NM_001354304.2); c.1169A>G (NM_000277.2); short protein forms E390G.
Identifiers: ClinVar variation 625 (VCV000000625.142), dbSNP rs5030856, ClinGen allele CA114367.

ClinVar aggregate classification (germline): Pathogenic. Review status: reviewed by expert panel (3 of 4 stars). 25 submissions from 24 submitters: Pathogenic (1). 24 of the submissions do not count toward it. Last evaluated 2018-10-01.

Conditions:
PAH-related disorder. Also called: PAH-related condition.
Mild hyperphenylalaninemia. Identifiers: Orphanet 79651, MedGen C5680207, MONDO:0019335.
Phenylketonuria (PKU). Also called: FOLLING DISEASE; OLIGOPHRENIA PHENYLPYRUVICA; Phenylketonurias; Phenylketonuria (PKU). Identifiers: Orphanet 716, MedGen C0031485, MONDO:0009861, OMIM 261600. Disease mechanism: loss of function.
Hyperphenylalaninemia. Also called: Hyperphenylalaninaemia; Hyperphenylalaninemia (HPA); Hyperphenylalaninemia, non-pku. Identifiers: MedGen C0751435, HP:0004923.

Allele frequency attached by ClinVar (database versions not stated): gnomAD 0.00008; ExAC 0.00010; gnomAD exomes 0.00010; TOPMed 0.00007.
gnomAD v4.1: 159 of 1,613,598 alleles (0.0099%); highest among the groups gnomAD compares: Middle Eastern, 0.049%; no homozygotes.

Submissions 1 to 10 of 25:

ClinGen PAH Variant Curation Expert Panel
Classification: Pathogenic for Phenylketonuria. Last evaluated: 2018-10-01. Review status: reviewed by expert panel. Criteria: ClinGen PAH ACMG Specifications v1. Collection method: curation. Allele origin: germline. Inheritance: Autosomal recessive inheritance.
Comment: The c.1169A>G (p.Glu390Gly) variant in PAH has been reported on at least 47 alleles, most often with Mild Hyperphenylalaninemia. (BH4 deficiency excluded). (PP4_Moderate; PMID: 8088845; PMID: 21147011). This variant has an extremely low allele frequency (MAF=0.00018 in gnomAD) (PM2). This variant was detected in trans with IVS-12nt1, L333F (Pathogenic in ClinVar) + 8 homozygotes (PM3_Very-strong; PMID: 10479481; PMID: 21147011; PMID: 8088845). Computational prediction tools and conservation analysis suggest that the c.1169A>G variant may impact the protein (PP3). In summary, this variant meets criteria to be classified as pathogenic for PAH. PAH-specific ACMG/AMP criteria applied: PP4_Moderate, PM3_Very-strong

PreventionGenetics, part of Exact Sciences
Classification: Pathogenic for PAH-related condition. Last evaluated: 2026-03-18. Review status: criteria provided, single submitter. Criteria: ACMG Guidelines, 2015. Collection method: clinical testing. Allele origin: germline. Not counted in ClinVar's aggregate classification.
Comment: The PAH c.1169A>G variant is predicted to result in the amino acid substitution p.Glu390Gly. This variant has been mainly reported to be causative for mild hyperphenylalaninemia (HPA; Guldberg et al. 1994. PubMed ID: 8088845; Bénit et al. 1999. PubMed ID: 10479481; Dobrowolski et al. 2011. PubMed ID: 21147011; Table S3 in Hillert et al. 2020. PubMed ID: 32668217). The p.Glu390Gly substitution has been reported to result in a PAH protein that is responsive to tetrahydrobiopterin (BH4) (Zurflüh et al. 2008. PubMed ID: 17935162). This variant has been classified as pathogenic by the ClinGen PAH Variant Curation Expert Panel, as well as multiple outside laboratories (Variation ID: 625). This variant is reported in 0.016% of alleles in individuals of European (Non-Finnish) descent in gnomAD. This variant is interpreted as pathogenic.

Victorian Clinical Genetics Services, Murdoch Childrens Research Institute
Classification: Pathogenic for Phenylketonuria. Last evaluated: 2026-01-30. Review status: criteria provided, single submitter. Criteria: ACMG Guidelines, 2015. Collection method: clinical testing. Allele origin: germline. Affected: yes. Not counted in ClinVar's aggregate classification.
Comment: This variant is classified as Pathogenic. Evidence in support of pathogenic classification: Variant is present in gnomAD <0.01 for a recessive condition (v4: 159 heterozygote(s), 0 homozygote(s)); This variant has strong previous evidence of pathogenicity in unrelated individuals. This variant has been classified as pathogenic by the ClinGen PAH Variant Curation Expert Panel (ClinVar); Missense variant predicted to be damaging by in silico tool(s) or highly conserved with a major amino acid change. Additional information: Variant is predicted to result in a missense amino acid change from Glu to Gly; This variant is heterozygous; This gene is associated with autosomal recessive disease; Alternative amino acid change(s) at the same position are present in gnomAD (v4: 1 heterozygote(s), 0 homozygote(s)); Variant is located in the annotated biopterin-dependent aromatic amino acid hydroxylase domain (DECIPHER); Loss of function is a known mechanism of disease in this gene and is associated with phenylketonuria (MIM#261600); Heterozygous variant detected in trans with a second PATHOGENIC heterozygous variant (NM_000277.3(PAH):c.117C>G; p.(Phe39Leu)) in a recessive disease.

Natera, Inc.
Classification: Pathogenic for Phenylketonuria. Last evaluated: 2026-01-15. Review status: criteria provided, single submitter. Criteria: Natera Variant Classification Schema (03/2026). Collection method: clinical testing. Allele origin: germline. Not counted in ClinVar's aggregate classification.
Comment: The c.1169A>G variant in PAH is a missense variant predicted to cause substitution of glutamic acid to glycine at amino acid 390. This variant is rare in the general population with a frequency below the threshold expected for the associated phenotype(s). This variant has been observed in one or more individuals affected with the associated recessive disease, as either homozygous or compound heterozygous with a second variant (PMID: 26666653). Computational prediction algorithms indicate this variant is likely to affect gene or protein function. Given the available evidence, this variant is classified as Pathogenic.

Labcorp Genetics (formerly Invitae), Labcorp
Classification: Pathogenic for Phenylketonuria. Last evaluated: 2025-12-30. Review status: criteria provided, single submitter. Criteria: Invitae Variant Classification Sherloc (09022015). Collection method: clinical testing. Allele origin: germline. Not counted in ClinVar's aggregate classification.
Comment: This sequence change replaces glutamic acid, which is acidic and polar, with glycine, which is neutral and non-polar, at codon 390 of the PAH protein (p.Glu390Gly). This variant is present in population databases (rs5030856, gnomAD 0.02%). This missense change has been observed in individual(s) with mild hyperphenylalaninemia and mild phenylketonuria (PMID: 8088845, 10472529, 10479481, 12655552, 17935162, 21147011, 21871829, 25596310, 26803807). In at least one individual the data is consistent with being in trans (on the opposite chromosome) from a pathogenic variant. ClinVar contains an entry for this variant (Variation ID: 625). Invitae Evidence Modeling of protein sequence and biophysical properties (such as structural, functional, and spatial information, amino acid conservation, physicochemical variation, residue mobility, and thermodynamic stability) indicates that this missense variant is not expected to disrupt PAH protein function with a negative predictive value of 80%. Experimental studies have shown that this missense change affects PAH function (PMID: 17935162, 22300847, 26803807). For these reasons, this variant has been classified as Pathogenic.

CeGaT Center for Human Genetics Tuebingen
Classification: Pathogenic. Last evaluated: 2025-07-01. Review status: criteria provided, single submitter. Criteria: CeGaT Center For Human Genetics Tuebingen Variant Classification Criteria Version 2. Collection method: clinical testing. Allele origin: germline. Affected: yes. Observed: 7 variant alleles. Not counted in ClinVar's aggregate classification.
Comment: PAH: PM3:Very Strong, PM2, PP4:Moderate, PS3:Moderate

Quest Diagnostics Nichols Institute San Juan Capistrano
Classification: Pathogenic. Last evaluated: 2025-02-13. Review status: criteria provided, single submitter. Criteria: Quest Diagnostics criteria. Collection method: clinical testing. Allele origin: unknown. Not counted in ClinVar's aggregate classification.
Comment: The PAH c.1169A>G (p.Glu390Gly) variant has been reported in the published literature in multiple homozygous and compound heterozygous individuals affected with mild hyperphenylalaninemia or mild PKU and has been characterized as BH4-responsive (PMIDs: 10472529 (1999), 19394257 (2009), 21147011 (2011), 22300847 (2012), 26803807 (2016), 31623983 (2019), 33465300 (2021), 34828281 (2021)). Functional studies have shown this variant reduces PAH activity to 42-62% of the wild-type (PMIDs: 21147011 (2011), 22300847 (2012), 26803807 (2016)). The frequency of this variant in the general population (Genome Aggregation Database) is uninformative in the assessment of its pathogenicity. Based on the available information, this variant is classified as pathogenic.

Blueprint Genetics
Classification: Pathogenic for PAH-related disorders. Last evaluated: 2024-10-31. Review status: criteria provided, single submitter. Criteria: ACMG Guidelines, 2015. Collection method: clinical testing. Allele origin: germline. Affected: yes. Observed: 5 variant alleles. Not counted in ClinVar's aggregate classification.

Institute of Immunology and Genetics Kaiserslautern
Classification: Pathogenic for Phenylketonuria. Last evaluated: 2024-04-25. Review status: criteria provided, single submitter. Criteria: ACMG Guidelines, 2015. Collection method: clinical testing. Allele origin: paternal. Affected: yes. Not counted in ClinVar's aggregate classification.
Comment: ACMG Criteria: PM2, PP3, PS3, PM3, PP5; Variant was found in heterozygous state

Mayo Clinic Laboratories, Mayo Clinic
Classification: Pathogenic. Last evaluated: 2024-03-19. Review status: criteria provided, single submitter. Criteria: ACMG Guidelines, 2015. Collection method: clinical testing. Allele origin: germline. Observed: 1 variant allele. Not counted in ClinVar's aggregate classification.
Comment: PP3, PM2, PM3_very_strong